The following is an entry in ClinVar:

ClinVar aggregate classification (germline): Uncertain significance (1 of 4 stars; one submission).

Conditions:
Retinoblastoma (RB1). Also called: RETINOBLASTOMA, SOMATIC. Identifiers: Orphanet 790, MedGen C0035335, MeSH D012175, MONDO:0008380, OMIM 180200, HP:0009919. Disease mechanism: loss of function. Inheritance: Both sporadic and heritable forms are tested..

Submission:

Labcorp Genetics (formerly Invitae), Labcorp
Classification: Uncertain significance for Retinoblastoma. Last evaluated: 2024-09-01. Review status: criteria provided, single submitter. Criteria: Invitae Variant Classification Sherloc (09022015). Collection method: clinical testing. Allele origin: germline.
Comment: This sequence change replaces methionine, which is neutral and non-polar, with lysine, which is basic and polar, at codon 705 of the RB1 protein (p.Met705Lys). This variant is not present in population databases (gnomAD no frequency). This missense change has been observed in individual(s) with retinoblastoma (internal data). ClinVar contains an entry for this variant (Variation ID: 1483368). Invitae Evidence Modeling of protein sequence and biophysical properties (such as structural, functional, and spatial information, amino acid conservation, physicochemical variation, residue mobility, and thermodynamic stability) indicates that this missense variant is expected to disrupt RB1 protein function with a positive predictive value of 80%. In summary, the available evidence is currently insufficient to determine the role of this variant in disease. Therefore, it has been classified as a Variant of Uncertain Significance.

NM_000321.3(RB1):c.2114T>A (p.Met705Lys)

Gene: RB1 (RB transcriptional corepressor 1; plus strand). Cytogenetic location: 13q14.2.
Variant type: single nucleotide variant.
Coding change: c.2114T>A on transcript NM_000321.3 (MANE Select); coding-DNA position 2114, T replaced by A.
Protein change: p.Met705Lys; replaces methionine 705 with lysine.
Molecular consequence: missense variant.
Genome position (GRCh38, 1-based): chr13:48,463,738, T>A. VCF-style: chr13-48463738-T-A. GRCh37 (hg19) VCF-style: chr13-49037874-T-A.
Other names: short protein forms M705K.
Identifiers: ClinVar variation 1483368 (VCV001483368.6), dbSNP rs2138342236, ClinGen allele CA388167013.